The following is an entry in ClinVar:

ClinVar aggregate classification (germline): Uncertain significance. Review status: criteria provided, multiple submitters, no conflicts (2 of 4 stars). 2 submissions from 2 submitters: Uncertain significance (2). Last evaluated 2023-11-20.

Conditions:
Brugada syndrome 8 (BRGDA8). Identifiers: Orphanet 130, MedGen C2751083, MONDO:0013148, OMIM 613123.

Submissions (2):

GeneDx
Classification: Uncertain significance. Last evaluated: 2023-11-20. Review status: criteria provided, single submitter. Criteria: GeneDx Variant Classification Process June 2021. Collection method: clinical testing. Allele origin: germline. Affected: yes.
Comment: Not observed at significant frequency in large population cohorts (gnomAD); In silico analysis supports that this missense variant has a deleterious effect on protein structure/function; Has not been previously published as pathogenic or benign to our knowledge.

Labcorp Genetics (formerly Invitae), Labcorp
Classification: Uncertain significance for Brugada syndrome 8. Last evaluated: 2022-06-11. Review status: criteria provided, single submitter. Criteria: Invitae Variant Classification Sherloc (09022015). Collection method: clinical testing. Allele origin: germline.
Comment: In summary, the available evidence is currently insufficient to determine the role of this variant in disease. Therefore, it has been classified as a Variant of Uncertain Significance. Advanced modeling of protein sequence and biophysical properties (such as structural, functional, and spatial information, amino acid conservation, physicochemical variation, residue mobility, and thermodynamic stability) performed at Invitae indicates that this missense variant is expected to disrupt HCN4 protein function. This variant has not been reported in the literature in individuals affected with HCN4-related conditions. This variant is not present in population databases (gnomAD no frequency). This sequence change replaces tyrosine, which is neutral and polar, with histidine, which is basic and polar, at codon 337 of the HCN4 protein (p.Tyr337His).

NM_005477.3(HCN4):c.1009T>C (p.Tyr337His)

Genes: HCN4 (hyperpolarization activated cyclic nucleotide gated potassium channel 4; minus strand), LOC105370890 (uncharacterized LOC105370890; plus strand), LOC126862173 (CDK7 strongly-dependent group 2 enhancer GRCh37_chr15:73635762-73636961; plus strand). Cytogenetic location: 15q24.1.
Variant type: single nucleotide variant.
Coding change: c.1009T>C on transcript NM_005477.3 (MANE Select); coding-DNA position 1009, T replaced by C.
Protein change: p.Tyr337His; replaces tyrosine 337 with histidine.
Molecular consequence: missense variant.
Genome position (GRCh38, 1-based): chr15:73,343,585, A>G on the plus strand (T>C on the coding strand, the complement: HCN4 is on the minus strand). VCF-style: chr15-73343585-A-G. GRCh37 (hg19) VCF-style: chr15-73635926-A-G.
Other names: c.1009T>C (NM_005477.2); short protein forms Y337H.
Identifiers: ClinVar variation 2004717 (VCV002004717.5), dbSNP rs2549074789, ClinGen allele CA393095052.